The following is an entry in ClinVar:

ClinVar aggregate classification (germline): Uncertain significance. Review status: criteria provided, multiple submitters, no conflicts (2 of 4 stars). 2 submissions from 2 submitters: Uncertain significance (2). Last evaluated 2023-11-01.

Conditions:
Hypertrophic cardiomyopathy 20. Identifiers: MedGen C3151267, MONDO:0013477, OMIM 613876.
Dilated cardiomyopathy 1CC (CMD1CC). Identifiers: Orphanet 154, MedGen C2751084, MONDO:0013147, OMIM 613122.

Allele frequency attached by ClinVar (database versions not stated): gnomAD exomes below 0.00001; gnomAD 0.00001; TOPMed 0.00001.
gnomAD v4.1: 2 of 1,613,848 alleles (0.00012%); highest among the groups gnomAD compares: African/African-American, 0.0013%; no homozygotes.

Submissions (2):

CeGaT Center for Human Genetics Tuebingen
Classification: Uncertain significance. Last evaluated: 2023-11-01. Review status: criteria provided, single submitter. Criteria: CeGaT Center For Human Genetics Tuebingen Variant Classification Criteria Version 2. Collection method: clinical testing. Allele origin: germline. Affected: yes. Observed: 1 variant allele.
Comment: NEXN: PM2, BP4

Labcorp Genetics (formerly Invitae), Labcorp
Classification: Uncertain significance for Dilated cardiomyopathy 1CC; Hypertrophic cardiomyopathy 20. Last evaluated: 2020-07-08. Review status: criteria provided, single submitter. Criteria: Invitae Variant Classification Sherloc (09022015). Collection method: clinical testing. Allele origin: germline.
Comment: This sequence change replaces glutamic acid with glycine at codon 575 of the NEXN protein (p.Glu575Gly). The glutamic acid residue is highly conserved and there is a moderate physicochemical difference between glutamic acid and glycine. This variant is not present in population databases (ExAC no frequency). This variant has not been reported in the literature in individuals with NEXN-related conditions. Algorithms developed to predict the effect of missense changes on protein structure and function are either unavailable or do not agree on the potential impact of this missense change (SIFT: "Deleterious"; PolyPhen-2: "Benign"; Align-GVGD: "Class C0"). In summary, the available evidence is currently insufficient to determine the role of this variant in disease. Therefore, it has been classified as a Variant of Uncertain Significance.

NM_144573.4(NEXN):c.1724A>G (p.Glu575Gly)

Gene: NEXN (nexilin F-actin binding protein; plus strand). Cytogenetic location: 1p31.1.
Variant type: single nucleotide variant.
Coding change: c.1724A>G on transcript NM_144573.4 (MANE Select); coding-DNA position 1724, A replaced by G.
Protein change: p.Glu575Gly; replaces glutamic acid 575 with glycine.
Molecular consequence: missense variant.
Genome position (GRCh38, 1-based): chr1:77,942,525, A>G. VCF-style: chr1-77942525-A-G. GRCh37 (hg19) VCF-style: chr1-78408210-A-G.
Other names: c.1532A>G, p.Glu511Gly (NM_001172309.2); short protein forms E575G, E511G.
Identifiers: ClinVar variation 1041972 (VCV001041972.30), dbSNP rs1169540111, ClinGen allele CA340882149.
Genomic context (GRCh38, chr1:77,942,525, plus strand): 5'-GAGAAGAGGAGGAGGAGGAAGAAGGTAGCATCATGAATGGCTCCACTGCTGAAGATGAAG[A>G]GCAAACCAGATCAGGAGCTCCATGGTTCAAGAAGCCTCTTAAAAACACATCAGTTGTAGA-3'
Protein context (NP_653174.3, residues 565-585): IMNGSTAEDE[Glu575Gly]QTRSGAPWFK